The following is an entry in ClinVar:

ClinVar aggregate classification (germline): Likely benign. Review status: criteria provided, multiple submitters, no conflicts (2 of 4 stars). 2 submissions from 2 submitters: Likely benign (2). Last evaluated 2024-07-01.

Allele frequency attached by ClinVar (database versions not stated): gnomAD 0.00001; ExAC 0.00002; TOPMed 0.00002.

Submissions (2):

CeGaT Center for Human Genetics Tuebingen
Classification: Likely benign. Last evaluated: 2024-07-01. Review status: criteria provided, single submitter. Criteria: CeGaT Center For Human Genetics Tuebingen Variant Classification Criteria Version 2. Collection method: clinical testing. Allele origin: germline. Affected: yes. Observed: 1 variant allele.
Comment: DEAF1: BP4, BP7

Labcorp Genetics (formerly Invitae), Labcorp
Classification: Likely benign. Last evaluated: 2024-05-04. Review status: criteria provided, single submitter. Criteria: Invitae Variant Classification Sherloc (09022015). Collection method: clinical testing. Allele origin: germline.

NM_021008.4(DEAF1):c.1113C>T (p.Phe371=)

Gene: DEAF1 (DEAF1 transcription factor; minus strand). Cytogenetic location: 11p15.5.
Variant type: single nucleotide variant.
Coding change: c.1113C>T on transcript NM_021008.4 (MANE Select); coding-DNA position 1113, C replaced by T.
Protein change: p.Phe371=; no amino-acid change (phenylalanine 371 retained).
Molecular consequence: synonymous variant.
Genome position (GRCh38, 1-based): chr11:679,701, G>A on the plus strand (C>T on the coding strand, the complement: DEAF1 is on the minus strand). VCF-style: chr11-679701-G-A. GRCh37 (hg19) VCF-style: chr11-679701-G-A.
Other names: c.846C>T, p.Phe282= (NM_001293634.2); c.387C>T, p.Phe129= (NM_001367390.1).
Identifiers: ClinVar variation 2040264 (VCV002040264.21), dbSNP rs745834812, ClinGen allele CA5786327.